The following is an entry in ClinVar:

ClinVar aggregate classification (germline): Uncertain significance. Review status: criteria provided, multiple submitters, no conflicts (2 of 4 stars). 2 submissions from 2 submitters: Uncertain significance (2). Last evaluated 2024-11-04.

Conditions:
Cardiovascular phenotype. Identifiers: MedGen CN230736.
Alstrom syndrome (ALMS). Identifiers: Orphanet 64, MedGen C0268425, MONDO:0008763, OMIM 203800.

Submissions (2):

Labcorp Genetics (formerly Invitae), Labcorp
Classification: Uncertain significance for Alstrom syndrome. Last evaluated: 2024-11-04. Review status: criteria provided, single submitter. Criteria: Invitae Variant Classification Sherloc (09022015). Collection method: clinical testing. Allele origin: germline.
Comment: This variant, c.6409_6411dup, results in the insertion of 1 amino acid(s) of the ALMS1 protein (p.Thr2137dup), but otherwise preserves the integrity of the reading frame. This variant is present in population databases (no rsID available, gnomAD 0.002%). This variant has not been reported in the literature in individuals affected with ALMS1-related conditions. ClinVar contains an entry for this variant (Variation ID: 2190221). Experimental studies and prediction algorithms are not available or were not evaluated, and the functional significance of this variant is currently unknown. In summary, the available evidence is currently insufficient to determine the role of this variant in disease. Therefore, it has been classified as a Variant of Uncertain Significance.

Ambry Genetics
Classification: Uncertain significance for Cardiovascular phenotype. Last evaluated: 2022-11-29. Review status: criteria provided, single submitter. Criteria: Ambry Variant Classification Scheme 2023. Collection method: clinical testing. Allele origin: germline.
Comment: The c.6409_6411dupACA variant (also known as p.T2137dup), located in coding exon 8 of the ALMS1 gene, results from an in-frame duplication of ACA at nucleotide positions 6409 to 6411. This results in the duplication of an extra threonine residue between codons 2137 and 2138. This amino acid position is not well conserved in available vertebrate species. In addition, the in silico prediction for this alteration is inconclusive (Choi Y et al. PLoS ONE. 2012; 7(10):e46688). Since supporting evidence is limited at this time, the clinical significance of this alteration remains unclear.

NM_001378454.1(ALMS1):c.6406_6408dup (p.Thr2136_Ala2137insThr)

Gene: ALMS1 (ALMS1 centrosome and basal body associated protein; plus strand). Cytogenetic location: 2p13.1.
Variant type: Duplication.
Coding change: c.6406_6408dup on transcript NM_001378454.1 (MANE Select); coding-DNA positions 6406 to 6408, 3 bases duplicated (ACA; older notation c.6406_6408dupACA).
Protein change: p.Thr2136_Ala2137insThr.
Molecular consequence: inframe insertion.
Genome position (GRCh38, 1-based): chr2:73,452,933-73,452,935, ACA duplicated; duplicating any 3 consecutive bases within chr2:73,452,931-73,452,935 gives the same sequence; the c. name uses the placement nearest the transcript's 3' end. VCF-style (leftmost placement, unchanged base first): chr2-73452930-C-CCAA. GRCh37 (hg19) VCF-style: chr2-73680057-C-CCAA.
Other names: c.6409_6411dup, p.Thr2137_Ala2138insThr (NM_015120.4); c.6409_6411dupACA (NM_015120.4).
Identifiers: ClinVar variation 2190221 (VCV002190221.5), dbSNP rs1272665212, ClinGen allele CA347287471.